The following is an entry in ClinVar:

NM_018979.4(WNK1):c.2825T>C (p.Leu942Pro)

Gene: WNK1 (WNK lysine deficient protein kinase 1; plus strand). Cytogenetic location: 12p13.33.
Variant type: single nucleotide variant.
Coding change: c.2825T>C on transcript NM_018979.4 (MANE Select); coding-DNA position 2825, T replaced by C.
Protein change: p.Leu942Pro; replaces leucine 942 with proline.
Molecular consequence: missense variant. On other transcripts: intron variant (3).
Genome position (GRCh38, 1-based): chr12:880,024, T>C. VCF-style: chr12-880024-T-C. GRCh37 (hg19) VCF-style: chr12-989190-T-C.
Other names: c.3867+1663T>C (NM_213655.5); c.3613-697T>C (NM_001184985.2); c.2370+1663T>C (NM_014823.3); short protein forms L942P.
Identifiers: ClinVar variation 648687 (VCV000648687.6), dbSNP rs775394703, ClinGen allele CA6382565.

ClinVar aggregate classification (germline): Uncertain significance (1 of 4 stars; one submission).

Conditions:
Pseudohypoaldosteronism type 2C (PHA2C). Also called: Pseudohypoaldosteronism Type IIC. Identifiers: Orphanet 757, Orphanet 88940, MedGen C1840391, MONDO:0013778, OMIM 614492.
Neuropathy, hereditary sensory and autonomic, type 2A (HSAN2A). Also called: ACROOSTEOLYSIS, GIACCAI TYPE; ACROOSTEOLYSIS, NEUROGENIC; HSAN IIA; WNK1-Related HSAN2 (HSAN2A); MORVAN DISEASE; NEUROPATHY, CONGENITAL SENSORY. Identifiers: Orphanet 970, MedGen C2752089, MONDO:0024309, OMIM 201300.

Allele frequency attached by ClinVar (database versions not stated): ExAC 0.00002; gnomAD 0.00001; gnomAD exomes 0.00001.
gnomAD v4.1: 5 of 1,614,012 alleles (0.00031%); highest among the groups gnomAD compares: African/African-American, 0.0013%; no homozygotes.

Submission:

Labcorp Genetics (formerly Invitae), Labcorp
Classification: Uncertain significance for Neuropathy, hereditary sensory and autonomic, type 2A; Pseudohypoaldosteronism type 2C. Last evaluated: 2018-09-13. Review status: criteria provided, single submitter. Criteria: Invitae Variant Classification Sherloc (09022015). Collection method: clinical testing. Allele origin: germline.
Comment: In summary, the available evidence is currently insufficient to determine the role of this variant in disease. Therefore, it has been classified as a Variant of Uncertain Significance. Algorithms developed to predict the effect of missense changes on protein structure and function output the following: SIFT: "Tolerated"; PolyPhen-2: "Probably Damaging"; Align-GVGD: "Class C0". The proline amino acid residue is found in multiple mammalian species, suggesting that this missense change does not adversely affect protein function. These predictions have not been confirmed by published functional studies and their clinical significance is uncertain. This variant has not been reported in the literature in individuals with WNK1-related disease. The frequency data for this variant in the population databases is considered unreliable, as metrics indicate poor data quality at this position in the ExAC database. This sequence change replaces leucine with proline at codon 942 of the WNK1 protein (p.Leu942Pro). The leucine residue is highly conserved and there is a moderate physicochemical difference between leucine and proline.